The following is an entry in ClinVar:

NM_001197104.2(KMT2A):c.6727G>A (p.Ala2243Thr)

Gene: KMT2A (lysine methyltransferase 2A; plus strand). Cytogenetic location: 11q23.3.
Variant type: single nucleotide variant.
Coding change: c.6727G>A on transcript NM_001197104.2 (MANE Select); coding-DNA position 6727, G replaced by A.
Protein change: p.Ala2243Thr; replaces alanine 2243 with threonine.
Molecular consequence: missense variant.
Genome position (GRCh38, 1-based): chr11:118,502,619, G>A. VCF-style: chr11-118502619-G-A. GRCh37 (hg19) VCF-style: chr11-118373334-G-A.
Other names: c.6817G>A, p.Ala2273Thr (NM_001412597.1); c.6718G>A, p.Ala2240Thr (NM_005933.4); short protein forms A2240T, A2273T, A2243T.
Identifiers: ClinVar variation 3696580 (VCV003696580.3).

ClinVar aggregate classification (germline): Conflicting classifications of pathogenicity. Review status: criteria provided, conflicting classifications (1 of 4 stars). 2 submissions from 2 submitters: Uncertain significance (1); Likely benign (1). Last evaluated 2025-06-07.

Conditions:
Inborn genetic diseases. Identifiers: MedGen C0950123, MeSH D030342.

gnomAD v4.1: 10 of 1,613,986 alleles (0.00062%); highest among the groups gnomAD compares: African/African-American, 0.0027%; no homozygotes.

Submissions (2):

Ambry Genetics
Classification: Likely benign for Inborn genetic diseases. Last evaluated: 2025-06-07. Review status: criteria provided, single submitter. Criteria: Ambry Variant Classification Scheme 2023. Collection method: clinical testing. Allele origin: germline.

Labcorp Genetics (formerly Invitae), Labcorp
Classification: Uncertain significance. Last evaluated: 2024-09-26. Review status: criteria provided, single submitter. Criteria: Invitae Variant Classification Sherloc (09022015). Collection method: clinical testing. Allele origin: germline.
Comment: This sequence change replaces alanine, which is neutral and non-polar, with threonine, which is neutral and polar, at codon 2243 of the KMT2A protein (p.Ala2243Thr). This variant is present in population databases (rs782068838, gnomAD 0.008%). This variant has not been reported in the literature in individuals affected with KMT2A-related conditions. Invitae Evidence Modeling of protein sequence and biophysical properties (such as structural, functional, and spatial information, amino acid conservation, physicochemical variation, residue mobility, and thermodynamic stability) indicates that this missense variant is not expected to disrupt KMT2A protein function with a negative predictive value of 95%. In summary, the available evidence is currently insufficient to determine the role of this variant in disease. Therefore, it has been classified as a Variant of Uncertain Significance.